The following is an entry in ClinVar:

NM_001035.3(RYR2):c.6823C>T (p.Gln2275Ter)

Gene: RYR2 (ryanodine receptor 2; plus strand). Cytogenetic location: 1q43.
Variant type: single nucleotide variant.
Coding change: c.6823C>T on transcript NM_001035.3 (MANE Select); coding-DNA position 6823, C replaced by T.
Protein change: p.Gln2275Ter; replaces glutamine 2275 with a stop codon.
Molecular consequence: nonsense.
Genome position (GRCh38, 1-based): chr1:237,638,387, C>T. VCF-style: chr1-237638387-C-T. GRCh37 (hg19) VCF-style: chr1-237801687-C-T.
Other names: short protein forms Q2275*.
Identifiers: ClinVar variation 1318877 (VCV001318877.2), dbSNP rs1681096238, ClinGen allele CA345395477.
Genomic context (GRCh38, chr1:237,638,387, plus strand): 5'-ATAACTCTTTGTTAATCATGTTGTTTGCAGGTAGTTCGTTATTTGGCTGGTTGTGGACTG[C>T]AAAGTTGCCAGATGCTGGTGTCTAAGGGCTATCCAGACATTGGGTGGAACCCAGTTGAAG-3'

ClinVar aggregate classification (germline): Uncertain significance (1 of 4 stars; one submission).

Allele frequency attached by ClinVar (database versions not stated): gnomAD exomes below 0.00001; TOPMed below 0.00001.
gnomAD v4.1: 1 of 1,613,948 alleles (0.000062%); highest among the groups gnomAD compares: Non-Finnish European, 0.000085%; no homozygotes.

Submission:

GeneDx
Classification: Uncertain significance. Last evaluated: 2021-04-22. Review status: criteria provided, single submitter. Criteria: GeneDx Variant Classification Process June 2021. Collection method: clinical testing. Allele origin: germline. Affected: yes.
Comment: Not observed in large population cohorts (Lek et al., 2016); Nonsense variant predicted to result in protein truncation or nonsense mediated decay in a gene for which loss-of-function is not a known mechanism of disease; Has not been previously published as pathogenic or benign to our knowledge